The following is an entry in ClinVar:

ClinVar aggregate classification (germline): Benign. Review status: criteria provided, multiple submitters, no conflicts (2 of 4 stars). 8 submissions from 8 submitters: Benign (8). Last evaluated 2026-02-04.

Conditions:
Autosomal recessive nonsyndromic hearing loss 42. Identifiers: Orphanet 90636, MedGen C1864818, MONDO:0012326, OMIM 609646.

Allele frequency attached by ClinVar (database versions not stated): ESP Exome Variant Server 0.74781; 1000 Genomes Project 30x 0.77998; 1000 Genomes Project 0.78494; gnomAD exomes 0.73027 and 0.72638; TOPMed 0.73444; ExAC 0.73945; gnomAD 0.74075 and 0.73781.
gnomAD v4.1: 1,179,190 of 1,612,864 alleles (73%); highest among the groups gnomAD compares: East Asian, 94%; 433,612 homozygotes.

Submissions (8):

Labcorp Genetics (formerly Invitae), Labcorp
Classification: Benign. Last evaluated: 2026-02-04. Review status: criteria provided, single submitter. Criteria: Invitae Variant Classification Sherloc (09022015). Collection method: clinical testing. Allele origin: germline.

Genome-Nilou Lab
Classification: Benign for Autosomal recessive nonsyndromic hearing loss 42. Last evaluated: 2021-08-19. Review status: criteria provided, single submitter. Criteria: ACMG Guidelines, 2015. Collection method: clinical testing. Allele origin: germline. Affected: no.

Mayo Clinic Laboratories, Mayo Clinic
Classification: Benign. Last evaluated: 2020-07-17. Review status: criteria provided, single submitter. Criteria: ACMG Guidelines, 2015. Collection method: clinical testing. Allele origin: germline. Observed: 141 variant alleles.

GeneDx
Classification: Benign. Last evaluated: 2017-05-09. Review status: criteria provided, single submitter. Criteria: GeneDx Variant Classification (06012015). Collection method: clinical testing. Allele origin: germline. Affected: yes.
Comment: This variant is considered likely benign or benign based on one or more of the following criteria: it is a conservative change, it occurs at a poorly conserved position in the protein, it is predicted to be benign by multiple in silico algorithms, and/or has population frequency not consistent with disease.

Eurofins Ntd Llc (ga)
Classification: Benign. Last evaluated: 2014-07-02. Review status: criteria provided, single submitter. Criteria: EGL Classification Definitions 2015. Collection method: clinical testing. Allele origin: germline. Observed: 1 variant allele, 1 heterozygote.

Laboratory for Molecular Medicine, Mass General Brigham Personalized Medicine
Classification: Benign. Last evaluated: 2012-05-07. Review status: criteria provided, single submitter. Criteria: LMM Criteria. Collection method: clinical testing. Allele origin: germline. Observed: 1,506 variant alleles.
Comment: "Leu515Leu in Exon 07 of ILDR1: This variant is not expected to have clinical si gnificance because it does not alter an amino acid residue, is not located withi n the splice consensus sequence, and has been identified in 28.8% (2021/7018) of European American chromosomes from a broad population by the NHLBI Exome Sequen cing Project (dbSNP rs2877561)."

Breakthrough Genomics
Classification: Benign. Review status: criteria provided, single submitter. Criteria: ACMG Guidelines, 2015. Collection method: not provided. Allele origin: germline. Inheritance: Autosomal recessive inheritance. Affected: yes.

PreventionGenetics, part of Exact Sciences
Classification: Benign. Review status: criteria provided, single submitter. Criteria: ACMG Guidelines, 2015. Collection method: clinical testing. Allele origin: germline.

NM_001199799.2(ILDR1):c.1545T>G (p.Leu515=)

Gene: ILDR1 (immunoglobulin like domain containing receptor 1; minus strand). Cytogenetic location: 3q13.33.
Variant type: single nucleotide variant.
Coding change: c.1545T>G on transcript NM_001199799.2 (MANE Select); coding-DNA position 1545, T replaced by G.
Protein change: p.Leu515=; no amino-acid change (leucine 515 retained).
Molecular consequence: synonymous variant.
Genome position (GRCh38, 1-based): chr3:121,993,204, A>C on the plus strand (T>G on the coding strand, the complement: ILDR1 is on the minus strand). VCF-style: chr3-121993204-A-C. GRCh37 (hg19) VCF-style: chr3-121712051-A-C.
Other names: p.Leu515=; c.1278T>G, p.Leu426= (NM_001199800.2); c.1413T>G, p.Leu471= (NM_175924.4).
Identifiers: ClinVar variation 44141 (VCV000044141.20), dbSNP rs2877561, ClinGen allele CA133659.
Genomic context (GRCh38, chr3:121,993,204, plus strand): 5'-GCTCACCGAGCGCCTCTCCACACTCCCTTTTTTCCTGCTATTCTTGCCTGGAGTGATATC[A>C]AGTGAGCGGTAGCTAGGCGGCTTCTCCTCGGGCCAGTGTGGGGAGTGCGAGCCGCGGCGG-3'
Protein context (NP_001186728.1, residues 505-525): PEEKPPSYRS[Leu515=]DITPGKNSRK